The following is an entry in ClinVar:

NM_017827.4(SARS2):c.1161-275dup

Gene: SARS2 (seryl-tRNA synthetase 2, mitochondrial; minus strand). Cytogenetic location: 19q13.2.
Variant type: Duplication.
Coding change: c.1161-275dup on transcript NM_017827.4 (MANE Select); 275 bases into the intron before coding-DNA position 1161, one base duplicated (C; older notation c.1161-275dupC).
Molecular consequence: intron variant.
Genome position (GRCh38, 1-based): chr19:38,916,586, G duplicated on the plus strand (C on the coding strand, the reverse complement: SARS2 is on the minus strand); the first of 4 consecutive G bases (chr19:38,916,586-38,916,589); duplicating any one gives the same sequence. VCF-style (leftmost placement, unchanged base first): chr19-38916585-A-AG. GRCh37 (hg19) VCF-style: chr19-39407225-A-AG.
Other names: c.1167-275dup (NM_001145901.2).
Identifiers: ClinVar variation 671309 (VCV000671309.1), dbSNP rs11450388, ClinGen allele CA308181710.

ClinVar aggregate classification (germline): Benign (1 of 4 stars; one submission).

Submission:

GeneDx
Classification: Benign. Last evaluated: 2018-06-14. Review status: criteria provided, single submitter. Criteria: GeneDx Variant Classification (06012015). Collection method: clinical testing. Allele origin: germline. Affected: yes.
Comment: This variant is considered likely benign or benign based on one or more of the following criteria: it is a conservative change, it occurs at a poorly conserved position in the protein, it is predicted to be benign by multiple in silico algorithms, and/or has population frequency not consistent with disease.